The following is an entry in ClinVar:

NM_001267550.2(TTN):c.14372-73G>A

Gene: TTN (titin; minus strand). Cytogenetic location: 2q31.2.
Variant type: single nucleotide variant.
Coding change: c.14372-73G>A on transcript NM_001267550.2 (MANE Select); 73 bases into the intron before coding-DNA position 14372, G replaced by A.
Molecular consequence: intron variant.
Genome position (GRCh38, 1-based): chr2:178,736,147, C>T on the plus strand (G>A on the coding strand, the complement: TTN is on the minus strand). VCF-style: chr2-178736147-C-T. GRCh37 (hg19) VCF-style: chr2-179600874-C-T.
Other names: c.13282+1935G>A (NM_003319.4); c.13858+1935G>A (NM_133437.4); c.13657+1935G>A (NM_133432.3); c.10640-73G>A (NM_133378.4); c.13421-73G>A (NM_001256850.1).
Identifiers: ClinVar variation 675757 (VCV000675757.1), dbSNP rs60598192, ClinGen allele CA60981885.

ClinVar aggregate classification (germline): Likely benign (1 of 4 stars; one submission).

Allele frequency attached by ClinVar (database versions not stated): gnomAD exomes 0.00108; 1000 Genomes Project 0.00499; 1000 Genomes Project 30x 0.00531; gnomAD 0.00689 and 0.00746; TOPMed 0.00828.
gnomAD v4.1: 2,439 of 1,367,806 alleles (0.18%); highest among the groups gnomAD compares: African/African-American, 2.3%; 24 homozygotes.

Submission:

GeneDx
Classification: Likely benign. Last evaluated: 2018-06-14. Review status: criteria provided, single submitter. Criteria: GeneDx Variant Classification (06012015). Collection method: clinical testing. Allele origin: germline. Affected: yes.
Comment: This variant is considered likely benign or benign based on one or more of the following criteria: it is a conservative change, it occurs at a poorly conserved position in the protein, it is predicted to be benign by multiple in silico algorithms, and/or has population frequency not consistent with disease.